The following is an entry in ClinVar:

ClinVar aggregate classification (germline): Benign. Review status: criteria provided, multiple submitters, no conflicts (2 of 4 stars). 4 submissions from 4 submitters: Benign (4). Last evaluated 2026-02-04.

Allele frequency attached by ClinVar (database versions not stated): ESP Exome Variant Server 0.24637; gnomAD 0.26086 and 0.26359; TOPMed 0.26298; gnomAD exomes 0.27094 and 0.27792; 1000 Genomes Project 30x 0.28061; 1000 Genomes Project 0.28375; ExAC 0.28682.
gnomAD v4.1: 430,878 of 1,595,340 alleles (27%); highest among the groups gnomAD compares: Admixed American, 32%; 59,062 homozygotes.

Submissions (4):

Labcorp Genetics (formerly Invitae), Labcorp
Classification: Benign. Last evaluated: 2026-02-04. Review status: criteria provided, single submitter. Criteria: Invitae Variant Classification Sherloc (09022015). Collection method: clinical testing. Allele origin: germline.

Women's Health and Genetics/Laboratory Corporation of America, LabCorp
Classification: Benign. Last evaluated: 2026-01-21. Review status: criteria provided, single submitter. Criteria: LabCorp Variant Classification Summary - May 2015. Collection method: clinical testing. Allele origin: germline.

Unidad de Genómica Garrahan, Hospital de Pediatría Garrahan
Classification: Benign. Last evaluated: 2024-01-24. Review status: criteria provided, single submitter. Criteria: ACMG Guidelines, 2015. Collection method: clinical testing. Allele origin: germline. Affected: no. Observed: 42 variant alleles.
Comment: This variant is classified as Benign based on local population frequency. This variant was detected in 44% of patients studied by a panel of primary immunodeficiencies. Number of patients: 42. Only high quality variants are reported.

Breakthrough Genomics
Classification: Benign. Review status: criteria provided, single submitter. Criteria: ACMG Guidelines, 2015. Collection method: not provided. Allele origin: germline. Inheritance: Autosomal dominant inheritance. Affected: yes.

NM_001330700.2(TOP2B):c.1129-17G>T

Gene: TOP2B (DNA topoisomerase II beta; minus strand). Cytogenetic location: 3p24.2.
Variant type: single nucleotide variant.
Coding change: c.1129-17G>T on transcript NM_001330700.2 (MANE Select); 17 bases into the intron before coding-DNA position 1129, G replaced by T.
Molecular consequence: intron variant.
Genome position (GRCh38, 1-based): chr3:25,632,600, C>A on the plus strand (G>T on the coding strand, the complement: TOP2B is on the minus strand). VCF-style: chr3-25632600-C-A. GRCh37 (hg19) VCF-style: chr3-25674091-C-A.
Other names: c.1114-17G>T (NM_001068.3).
Identifiers: ClinVar variation 1166959 (VCV001166959.11), dbSNP rs3736601, ClinGen allele CA2288736.
Genomic context (GRCh38, chr3:25,632,600, plus strand): 5'-TTTTCAATAAGGCAATTAATAAAAACCCATATATGGTTTTTTACCTGTTGAAAACATACC[C>A]AAAAAAGTCAATATCAGAGCTGATATTTAGTAATTCAGTATATATATAATGCATATGTAT-3'